The following is an entry in ClinVar:

ClinVar aggregate classification (germline): Conflicting classifications of pathogenicity. Review status: criteria provided, conflicting classifications (1 of 4 stars). 2 submissions from 2 submitters: Uncertain significance (1); Likely benign (1). Last evaluated 2025-07-21.

Conditions:
Visceral neuropathy, familial, 2, autosomal recessive. Identifiers: MedGen C5561950, MONDO:0030399, OMIM 619465.

Allele frequency attached by ClinVar (database versions not stated): gnomAD exomes 0.00004 and 0.00005; ExAC 0.00005; TOPMed 0.00005.
gnomAD v4.1: 59 of 1,557,370 alleles (0.0038%); highest among the groups gnomAD compares: East Asian, 0.1%; no homozygotes.

Submissions (2):

Labcorp Genetics (formerly Invitae), Labcorp
Classification: Uncertain significance. Last evaluated: 2025-07-21. Review status: criteria provided, single submitter. Criteria: Invitae Variant Classification Sherloc (09022015). Collection method: clinical testing. Allele origin: germline.
Comment: This sequence change replaces arginine, which is basic and polar, with tryptophan, which is neutral and slightly polar, at codon 1146 of the ERBB2 protein (p.Arg1146Trp). This variant is present in population databases (rs762062043, gnomAD 0.06%). This missense change has been observed in individual(s) with breast cancer (PMID: 28164408, 29072371). ClinVar contains an entry for this variant (Variation ID: 1060897). An algorithm developed to predict the effect of missense changes on protein structure and function outputs the following: PolyPhen-2: "Benign". The tryptophan amino acid residue is found in multiple mammalian species, which suggests that this missense change does not adversely affect protein function. In summary, the available evidence is currently insufficient to determine the role of this variant in disease. Therefore, it has been classified as a Variant of Uncertain Significance.

3billion
Classification: Likely benign for Visceral neuropathy, familial, 2, autosomal recessive. Last evaluated: 2024-09-20. Review status: criteria provided, single submitter. Criteria: ACMG Guidelines, 2015. Collection method: clinical testing. Allele origin: germline. Affected: no.
Comment: The homozygous variant was found in patients diagnosed with another variant in a different gene, with no symptoms related to the gene containing the homozygous variant.

Literature cited by the submitters: PubMed 28164408 (cited by Labcorp Genetics (formerly Invitae), Labcorp); PubMed 29072371 (cited by Labcorp Genetics (formerly Invitae), Labcorp).

NM_004448.4(ERBB2):c.3436C>T (p.Arg1146Trp)

Gene: ERBB2 (erb-b2 receptor tyrosine kinase 2; plus strand). Cytogenetic location: 17q12.
Variant type: single nucleotide variant.
Coding change: c.3436C>T on transcript NM_004448.4 (MANE Select); coding-DNA position 3436, C replaced by T.
Protein change: p.Arg1146Trp; replaces arginine 1146 with tryptophan.
Molecular consequence: missense variant. On other transcripts: 3 prime UTR variant (2), non-coding transcript variant (1).
Genome position (GRCh38, 1-based): chr17:39,727,712, C>T. VCF-style: chr17-39727712-C-T. GRCh37 (hg19) VCF-style: chr17-37883965-C-T.
Other names: c.3346C>T, p.Arg1116Trp (NM_001005862.3, NM_001382782.1, NM_001382783.1); c.3391C>T, p.Arg1131Trp (NM_001289936.2); c.*15C>T (NM_001289937.2, NM_001382803.1); c.3553C>T, p.Arg1185Trp (NM_001382784.1); c.3538C>T, p.Arg1180Trp (NM_001382785.1); c.3517C>T, p.Arg1173Trp (NM_001382786.1); c.3511C>T, p.Arg1171Trp (NM_001382787.1); c.3466C>T, p.Arg1156Trp (NM_001382788.1); and 16 more; short protein forms R1060W, R1078W, R1084W, R1086W, R1094W, R1113W, R1116W, R1117W.
Identifiers: ClinVar variation 1060897 (VCV001060897.10), dbSNP rs762062043, ClinGen allele CA8534560.